The following is an entry in ClinVar:

ClinVar aggregate classification (germline): Pathogenic (1 of 4 stars; one submission).

Submission:

Labcorp Genetics (formerly Invitae), Labcorp
Classification: Pathogenic. Last evaluated: 2022-03-09. Review status: criteria provided, single submitter. Criteria: Invitae Variant Classification Sherloc (09022015). Collection method: clinical testing. Allele origin: germline.
Comment: For these reasons, this variant has been classified as Pathogenic. This variant disrupts the C-terminus of the RP1 protein. Many variants that disrupt this region have been reported in individuals with either autosomal dominant or autosomal recessive retinitis pigmentosa (PMID: 11527933, 19933189, 29425069, 30027431). Therefore, variants that disrupt this region are expected to be disease-causing. This premature translational stop signal has been observed in individual(s) with retinitis pigmentosa (Invitae). This variant is not present in population databases (gnomAD no frequency). This sequence change creates a premature translational stop signal (p.Leu762*) in the RP1 gene. While this is not anticipated to result in nonsense mediated decay, it is expected to disrupt the last 1395 amino acid(s) of the RP1 protein.

Literature cited by the submitters: PubMed 11527933; PubMed 19933189; PubMed 29425069; PubMed 30027431.

NM_006269.2(RP1):c.2285T>A (p.Leu762Ter)

Gene: RP1 (RP1 axonemal microtubule associated; plus strand). Cytogenetic location: 8q12.1.
Variant type: single nucleotide variant.
Coding change: c.2285T>A on transcript NM_006269.2 (MANE Select); coding-DNA position 2285, T replaced by A.
Protein change: p.Leu762Ter; replaces leucine 762 with a stop codon.
Molecular consequence: nonsense. On other transcripts: intron variant (1).
Genome position (GRCh38, 1-based): chr8:54,626,167, T>A. VCF-style: chr8-54626167-T-A. GRCh37 (hg19) VCF-style: chr8-55538727-T-A.
Other names: c.787+3879T>A (NM_001375654.1); short protein forms L762*.
Identifiers: ClinVar variation 1454600 (VCV001454600.8), dbSNP rs2129316527, ClinGen allele CA370993319.